The following continues an entry in ClinVar:

NM_000059.4(BRCA2):c.2186T>C (p.Ile729Thr)

Gene: BRCA2. ClinVar aggregate classification (germline): Conflicting classifications of pathogenicity. Uncertain significance (10); Benign (1); Likely benign (3).

Submissions 6 to 15 of 15:

All of Us Research Program, National Institutes of Health
Classification: Uncertain significance for Breast-ovarian cancer, familial, susceptibility to, 2. Last evaluated: 2023-06-08. Review status: criteria provided, single submitter. Criteria: ACMG Guidelines, 2015. Collection method: clinical testing. Allele origin: germline. Inheritance: Autosomal dominant inheritance. Observed: 1 variant allele, 1 heterozygote.
Comment: This missense variant replaces isoleucine with threonine at codon 729 of the BRCA2 protein. Computational prediction suggests that this variant may not impact protein structure and function (internally defined REVEL score threshold <= 0.5, PMID: 27666373). To our knowledge, functional studies have not been reported for this variant. This variant has been reported in three individuals affected with breast cancer (PMID: 27257965, 28222693) and four healthy control individuals (PMID 28222693). A case-control study in a Japanese population has shown no significant association with colorectal cancer (PMID: 33309985). This variant has been identified in 4/251228 chromosomes in the general population by the Genome Aggregation Database (gnomAD). The available evidence is insufficient to determine the role of this variant in disease conclusively. Therefore, this variant is classified as a Variant of Uncertain Significance.

This study involves interpretation of variants in research participants for the purpose of population health screening. Participant phenotype was not available at the time of variant classification. Additional details can be found in publication PMID: 35346344, PMCID: PMC8962531

University of Washington Department of Laboratory Medicine, University of Washington
Classification: Likely benign for Hereditary cancer-predisposing syndrome. Last evaluated: 2023-03-23. Review status: criteria provided, single submitter. Criteria: Dines et al. (Genet Med. 2020). Collection method: curation. Allele origin: germline.
Comment: Missense variant in a coldspot region where missense variants are very unlikely to be pathogenic (PMID:31911673).

BRCA2 exon 11 coldspot. Reclassification based on statistical prior probability.

Department of Pathology and Laboratory Medicine, Sinai Health System
Classification: Uncertain significance for Familial cancer of breast; Breast-ovarian cancer, familial, susceptibility to, 2. Last evaluated: 2022-03-09. Review status: criteria provided, single submitter. Criteria: ACMG Guidelines, 2015. Collection method: clinical testing. Allele origin: germline. Affected: yes.

Laboratory of Molecular Epidemiology of Birth Defects, West China Second University Hospital, Sichuan University
Classification: Benign for Ovarian cancer. Last evaluated: 2022-01-01. Review status: criteria provided, single submitter. Criteria: ACMG Guidelines, 2015. Collection method: clinical testing. Allele origin: germline. Affected: yes.

Fulgent Genetics
Classification: Uncertain significance for Familial cancer of breast; Medulloblastoma; Familial prostate cancer; Wilms tumor 1; Fanconi anemia complementation group D1; Breast-ovarian cancer, familial, susceptibility to, 2; Glioma susceptibility 3; Pancreatic cancer, susceptibility to, 2. Last evaluated: 2018-10-31. Review status: criteria provided, single submitter. Criteria: ACMG Guidelines, 2015. Collection method: clinical testing. Allele origin: unknown.

Illumina Laboratory Services, Illumina
Classification: Uncertain significance for Fanconi anemia complementation group D1. Last evaluated: 2018-01-12. Review status: criteria provided, single submitter. Criteria: ICSL Variant Classification Criteria 13 December 2019. Collection method: clinical testing. Allele origin: germline.

Illumina Laboratory Services, Illumina
Classification: Likely benign for Breast-ovarian cancer, familial, susceptibility to, 2. Last evaluated: 2018-01-12. Review status: criteria provided, single submitter. Criteria: ICSL Variant Classification Criteria 13 December 2019. Collection method: clinical testing. Allele origin: germline.
Comment: This variant was observed in the ICSL laboratory as part of a predisposition screen in an ostensibly healthy population. It had not been previously curated by ICSL or reported in the Human Gene Mutation Database (HGMD: prior to June 1st, 2018), and was therefore a candidate for classification through an automated scoring system. Utilizing variant allele frequency, disease prevalence and penetrance estimates, and inheritance mode, an automated score was calculated to assess if this variant is too frequent to cause the disease. Based on the score and internal cut-off values, a variant classified as likely benign is not then subjected to further curation. The score for this variant resulted in a classification of likely benign for this disease.

3DMed Clinical Laboratory Inc
Classification: Uncertain significance for Ovarian cancer. Last evaluated: 2017-04-10. Review status: criteria provided, single submitter. Criteria: ACMG Guidelines, 2015. Collection method: clinical testing. Allele origin: germline. Affected: yes.

Laboratory of Molecular Diagnosis of Cancer, West China Hospital, Sichuan University
Classification: Uncertain significance for Breast neoplasm. Last evaluated: 2015-11-01. Review status: criteria provided, single submitter. Criteria: ACMG Guidelines, 2015. Collection method: research. Allele origin: germline. Affected: yes. Observed: 1 variant allele.

Sharing Clinical Reports Project (SCRP)
Classification: Uncertain significance for Breast-ovarian cancer, familial 2. Last evaluated: 2012-05-01. Review status: no assertion criteria provided. Collection method: clinical testing. Allele origin: germline. Not counted in ClinVar's aggregate classification.

Literature cited by the submitters: PubMed 27257965 (cited by 7 submitters); PubMed 28222693 (cited by 6 submitters); PubMed 30078507 (cited by Labcorp Genetics (formerly Invitae), Labcorp and Women's Health and Genetics/Laboratory Corporation of America, LabCorp); PubMed 30702160 (cited by 3 submitters); PubMed 31248605 (cited by 3 submitters); PubMed 31825140 (cited by Labcorp Genetics (formerly Invitae), Labcorp and Quest Diagnostics Nichols Institute San Juan Capistrano); PubMed 29215753 (cited by Ambry Genetics and Quest Diagnostics Nichols Institute San Juan Capistrano); PubMed 30287823 (cited by 3 submitters); PubMed 32467295 (cited by Ambry Genetics and Quest Diagnostics Nichols Institute San Juan Capistrano); PubMed 32984025 (cited by 3 submitters); PubMed 33078592 (cited by Ambry Genetics and Quest Diagnostics Nichols Institute San Juan Capistrano); PubMed 33309985 (cited by 3 submitters); PubMed 36243179 (cited by Quest Diagnostics Nichols Institute San Juan Capistrano); PubMed 31911673 (cited by Quest Diagnostics Nichols Institute San Juan Capistrano); PubMed 34235180 (cited by Quest Diagnostics Nichols Institute San Juan Capistrano); PubMed 38566028 (cited by Quest Diagnostics Nichols Institute San Juan Capistrano); PubMed 38509102 (cited by Quest Diagnostics Nichols Institute San Juan Capistrano); PubMed 37731132 (cited by Quest Diagnostics Nichols Institute San Juan Capistrano); PubMed 35864222 (cited by Quest Diagnostics Nichols Institute San Juan Capistrano); PubMed 33471991 (cited by Quest Diagnostics Nichols Institute San Juan Capistrano and Women's Health and Genetics/Laboratory Corporation of America, LabCorp).